The following is an entry in ClinVar:

ClinVar aggregate classification (germline): Likely benign (1 of 4 stars; one submission).

gnomAD v4.1: 376 of 696,690 alleles (0.054%); highest among the groups gnomAD compares: Admixed American, 0.71%; 15 homozygotes.

Submission:

CeGaT Center for Human Genetics Tuebingen
Classification: Likely benign. Last evaluated: 2026-09-01. Review status: criteria provided, single submitter. Criteria: CeGaT Center For Human Genetics Tuebingen Variant Classification Criteria Version 2. Collection method: clinical testing. Allele origin: germline. Affected: yes. Observed: 6 variant alleles.
Comment: TNXB: BS2

NM_001365276.2(TNXB):c.2358+1628C>T

Gene: TNXB (tenascin XB; minus strand). Cytogenetic location: 6p21.33.
Variant type: single nucleotide variant.
Coding change: c.2358+1628C>T on transcript NM_001365276.2 (MANE Select); 1628 bases into the intron after coding-DNA position 2358, C replaced by T.
Molecular consequence: intron variant.
Genome position (GRCh38, 1-based): chr6:32,093,448, G>A on the plus strand (C>T on the coding strand, the complement: TNXB is on the minus strand). VCF-style: chr6-32093448-G-A. GRCh37 (hg19) VCF-style: chr6-32061225-G-A.
Other names: c.2358+1628C>T (NM_019105.8, NM_001428335.1).
Identifiers: ClinVar variation 4533833 (VCV004533833.6).